The following is an entry in ClinVar:

NM_005428.4(VAV1):c.1883C>T (p.Thr628Met)

Gene: VAV1 (vav guanine nucleotide exchange factor 1; plus strand). Cytogenetic location: 19p13.3.
Variant type: single nucleotide variant.
Coding change: c.1883C>T on transcript NM_005428.4 (MANE Select); coding-DNA position 1883, C replaced by T.
Protein change: p.Thr628Met; replaces threonine 628 with methionine.
Molecular consequence: missense variant.
Genome position (GRCh38, 1-based): chr19:6,836,537, C>T. VCF-style: chr19-6836537-C-T. GRCh37 (hg19) VCF-style: chr19-6836548-C-T.
Other names: c.1883C>T, p.Thr628Met (NM_001258206.2); c.1787C>T, p.Thr596Met (NM_001258207.2); c.1883C>T (NM_005428.2); short protein forms T628M, T596M.
Identifiers: ClinVar variation 1408410 (VCV001408410.9), dbSNP rs745565957, ClinGen allele CA9132766.

ClinVar aggregate classification (germline): Uncertain significance. Review status: criteria provided, multiple submitters, no conflicts (2 of 4 stars). 2 submissions from 2 submitters: Uncertain significance (2). Last evaluated 2025-08-07.

Allele frequency attached by ClinVar (database versions not stated): gnomAD 0.00002; TOPMed 0.00002; gnomAD exomes 0.00003 and 0.00006; ExAC 0.00006.
gnomAD v4.1: 21 of 1,613,864 alleles (0.0013%); highest among the groups gnomAD compares: Admixed American, 0.025%; no homozygotes.

Submissions (2):

Ambry Genetics
Classification: Uncertain significance. Last evaluated: 2025-08-07. Review status: criteria provided, single submitter. Criteria: Ambry Variant Classification Scheme 2023. Collection method: clinical testing. Allele origin: germline.

Labcorp Genetics (formerly Invitae), Labcorp
Classification: Uncertain significance. Last evaluated: 2024-10-29. Review status: criteria provided, single submitter. Criteria: Invitae Variant Classification Sherloc (09022015). Collection method: clinical testing. Allele origin: germline.
Comment: This sequence change replaces threonine, which is neutral and polar, with methionine, which is neutral and non-polar, at codon 628 of the VAV1 protein (p.Thr628Met). This variant is present in population databases (rs745565957, gnomAD 0.03%). This variant has not been reported in the literature in individuals affected with VAV1-related conditions. ClinVar contains an entry for this variant (Variation ID: 1408410). An algorithm developed to predict the effect of missense changes on protein structure and function (PolyPhen-2) suggests that this variant is likely to be disruptive. In summary, the available evidence is currently insufficient to determine the role of this variant in disease. Therefore, it has been classified as a Variant of Uncertain Significance.